The following is an entry in ClinVar:

ClinVar aggregate classification (germline): Uncertain significance. Review status: criteria provided, multiple submitters, no conflicts (2 of 4 stars). 2 submissions from 2 submitters: Uncertain significance (2). Last evaluated 2022-10-11.

Conditions:
Inborn genetic diseases. Identifiers: MedGen C0950123, MeSH D030342.
Autosomal dominant Parkinson disease 8. Also called: LRRK2-Related Parkinson Disease; Parkinson disease 8; Parkinson disease 8, susceptibility to. Identifiers: Orphanet 411602, MedGen C1846862, MONDO:0011764, OMIM 607060.

Submissions (2):

Ambry Genetics
Classification: Uncertain significance for Inborn genetic diseases. Last evaluated: 2022-10-11. Review status: criteria provided, single submitter. Criteria: Ambry Variant Classification Scheme 2023. Collection method: clinical testing. Allele origin: germline.
Comment: The p.I745T variant (also known as c.2234T>C), located in coding exon 18 of the LRRK2 gene, results from a T to C substitution at nucleotide position 2234. The isoleucine at codon 745 is replaced by threonine, an amino acid with similar properties. This amino acid position is conserved. In addition, this alteration is predicted to be deleterious by in silico analysis. Since supporting evidence is limited at this time, the clinical significance of this alteration remains unclear.

Labcorp Genetics (formerly Invitae), Labcorp
Classification: Uncertain significance for Autosomal dominant Parkinson disease 8. Last evaluated: 2021-08-16. Review status: criteria provided, single submitter. Criteria: Invitae Variant Classification Sherloc (09022015). Collection method: clinical testing. Allele origin: germline.
Comment: This variant has not been reported in the literature in individuals affected with LRRK2-related conditions. Algorithms developed to predict the effect of missense changes on protein structure and function are either unavailable or do not agree on the potential impact of this missense change (SIFT: "Tolerated"; PolyPhen-2: "Possibly Damaging"; Align-GVGD: "Class C0"). In summary, the available evidence is currently insufficient to determine the role of this variant in disease. Therefore, it has been classified as a Variant of Uncertain Significance. This variant is not present in population databases (ExAC no frequency). This sequence change replaces isoleucine with threonine at codon 745 of the LRRK2 protein (p.Ile745Thr). The isoleucine residue is moderately conserved and there is a moderate physicochemical difference between isoleucine and threonine.

NM_198578.4(LRRK2):c.2234T>C (p.Ile745Thr)

Gene: LRRK2 (leucine rich repeat kinase 2; plus strand). Cytogenetic location: 12q12.
Variant type: single nucleotide variant.
Coding change: c.2234T>C on transcript NM_198578.4 (MANE Select); coding-DNA position 2234, T replaced by C.
Protein change: p.Ile745Thr; replaces isoleucine 745 with threonine.
Molecular consequence: missense variant.
Genome position (GRCh38, 1-based): chr12:40,278,254, T>C. VCF-style: chr12-40278254-T-C. GRCh37 (hg19) VCF-style: chr12-40672056-T-C.
Other names: short protein forms I745T.
Identifiers: ClinVar variation 1438711 (VCV001438711.8), dbSNP rs2136626522, ClinGen allele CA384405322.